The following is an entry in ClinVar:

NM_001903.5(CTNNA1):c.932G>C (p.Ser311Thr)

Gene: CTNNA1 (catenin alpha 1; plus strand). Cytogenetic location: 5q31.2.
Variant type: single nucleotide variant.
Coding change: c.932G>C on transcript NM_001903.5 (MANE Select); coding-DNA position 932, G replaced by C.
Protein change: p.Ser311Thr; replaces serine 311 with threonine.
Molecular consequence: missense variant.
Genome position (GRCh38, 1-based): chr5:138,827,588, G>C. VCF-style: chr5-138827588-G-C. GRCh37 (hg19) VCF-style: chr5-138163277-G-C.
Other names: c.932G>C, p.Ser311Thr (NM_001290307.3, NM_001323982.2, NM_001323983.1 and 3 more transcripts); c.623G>C, p.Ser208Thr (NM_001290309.3); c.563G>C, p.Ser188Thr (NM_001290310.3); short protein forms S188T, S311T, S208T.
Identifiers: ClinVar variation 1995450 (VCV001995450.4), dbSNP rs746761844, ClinGen allele CA3431594.

ClinVar aggregate classification (germline): Uncertain significance (1 of 4 stars; one submission).

Allele frequency attached by ClinVar (database versions not stated): gnomAD exomes below 0.00001; ExAC 0.00001.
gnomAD v4.1: 1 of 1,614,244 alleles (0.000062%); highest among the groups gnomAD compares: Non-Finnish European, 0.000085%; no homozygotes.

Submission:

Labcorp Genetics (formerly Invitae), Labcorp
Classification: Uncertain significance. Last evaluated: 2022-08-04. Review status: criteria provided, single submitter. Criteria: Invitae Variant Classification Sherloc (09022015). Collection method: clinical testing. Allele origin: germline.
Comment: This sequence change replaces serine, which is neutral and polar, with threonine, which is neutral and polar, at codon 311 of the CTNNA1 protein (p.Ser311Thr). This variant is not present in population databases (gnomAD no frequency). This variant has not been reported in the literature in individuals affected with CTNNA1-related conditions. Algorithms developed to predict the effect of missense changes on protein structure and function are either unavailable or do not agree on the potential impact of this missense change (SIFT: "Deleterious"; PolyPhen-2: "Possibly Damaging"; Align-GVGD: "Class C0"). In summary, the available evidence is currently insufficient to determine the role of this variant in disease. Therefore, it has been classified as a Variant of Uncertain Significance.